The following is an entry in ClinVar:

NM_004068.4(AP2M1):c.290G>A (p.Ser97Asn)

Gene: AP2M1 (adaptor related protein complex 2 subunit mu 1; plus strand). Cytogenetic location: 3q27.1.
Variant type: single nucleotide variant.
Coding change: c.290G>A on transcript NM_004068.4 (MANE Select); coding-DNA position 290, G replaced by A.
Protein change: p.Ser97Asn; replaces serine 97 with asparagine.
Molecular consequence: missense variant.
Genome position (GRCh38, 1-based): chr3:184,179,072, G>A. VCF-style: chr3-184179072-G-A. GRCh37 (hg19) VCF-style: chr3-183896860-G-A.
Other names: c.290G>A, p.Ser97Asn (NM_001025205.2); c.365G>A, p.Ser122Asn (NM_001311198.2); short protein forms S97N, S122N.
Identifiers: ClinVar variation 2760209 (VCV002760209.3), dbSNP rs2473719658, ClinGen allele CA355421089.

ClinVar aggregate classification (germline): Uncertain significance (1 of 4 stars; one submission).

Submission:

Labcorp Genetics (formerly Invitae), Labcorp
Classification: Uncertain significance. Last evaluated: 2023-09-12. Review status: criteria provided, single submitter. Criteria: Invitae Variant Classification Sherloc (09022015). Collection method: clinical testing. Allele origin: germline.
Comment: In summary, the available evidence is currently insufficient to determine the role of this variant in disease. Therefore, it has been classified as a Variant of Uncertain Significance. An algorithm developed to predict the effect of missense changes on protein structure and function (PolyPhen-2) suggests that this variant is likely to be tolerated. This variant has not been reported in the literature in individuals affected with AP2M1-related conditions. This variant is not present in population databases (gnomAD no frequency). This sequence change replaces serine, which is neutral and polar, with asparagine, which is neutral and polar, at codon 97 of the AP2M1 protein (p.Ser97Asn).